The following is an entry in ClinVar:

ClinVar aggregate classification (germline): Conflicting classifications of pathogenicity. Review status: criteria provided, conflicting classifications (1 of 4 stars). 3 submissions from 3 submitters: Uncertain significance (1); Likely benign (2). Last evaluated 2026-01-13.

Conditions:
Chuvash polycythemia. Also called: POLYCYTHEMIA, VHL-DEPENDENT. Identifiers: Orphanet 238557, MedGen C1837915, MONDO:0009892, OMIM 263400.
Von Hippel-Lindau syndrome (VHLS). Also called: Von Hippel-Lindau; von Hippel–Lindau syndrome; VHL syndrome. Identifiers: Orphanet 892, MedGen C0019562, MONDO:0008667, OMIM 193300. Disease mechanism: loss of function.

Allele frequency attached by ClinVar (database versions not stated): gnomAD 0.00005 and 0.00006; TOPMed 0.00006; ExAC 0.00010.
gnomAD v4.1: 31 of 1,534,626 alleles (0.002%); highest among the groups gnomAD compares: African/African-American, 0.018%; no homozygotes.

Submissions (3):

Labcorp Genetics (formerly Invitae), Labcorp
Classification: Uncertain significance for Von Hippel-Lindau syndrome; Chuvash polycythemia. Last evaluated: 2026-01-13. Review status: criteria provided, single submitter. Criteria: Invitae Variant Classification Sherloc (09022015). Collection method: clinical testing. Allele origin: germline.
Comment: This variant occurs in a non-coding region of the VHL gene. It does not change the encoded amino acid sequence of the VHL protein. This variant is present in population databases (rs745439844, gnomAD 0.02%). This variant has not been reported in the literature in individuals affected with VHL-related conditions. ClinVar contains an entry for this variant (Variation ID: 511159). In summary, the available evidence is currently insufficient to determine the role of this variant in disease. Therefore, it has been classified as a Variant of Uncertain Significance.

Center for Genomic Medicine, Rigshospitalet, Copenhagen University Hospital
Classification: Likely benign. Last evaluated: 2025-03-04. Review status: criteria provided, single submitter. Criteria: ACMG Guidelines, 2015. Collection method: clinical testing. Allele origin: germline.

GeneDx
Classification: Likely benign. Last evaluated: 2017-07-27. Review status: criteria provided, single submitter. Criteria: GeneDx Variant Classification (06012015). Collection method: clinical testing. Allele origin: germline. Affected: yes.
Comment: This variant is considered likely benign or benign based on one or more of the following criteria: it is a conservative change, it occurs at a poorly conserved position in the protein, it is predicted to be benign by multiple in silico algorithms, and/or has population frequency not consistent with disease.

NM_000551.4(VHL):c.-47C>T

Gene: VHL (von Hippel-Lindau tumor suppressor; plus strand). Cytogenetic location: 3p25.3.
Variant type: single nucleotide variant.
Coding change: c.-47C>T on transcript NM_000551.4 (MANE Select); 47 bases upstream of the start codon, C replaced by T.
Molecular consequence: 5 prime UTR variant.
Genome position (GRCh38, 1-based): chr3:10,141,801, C>T. VCF-style: chr3-10141801-C-T. GRCh37 (hg19) VCF-style: chr3-10183485-C-T.
Other names: c.-47C>T (NM_001354723.2, NM_198156.3).
Identifiers: ClinVar variation 511159 (VCV000511159.11), dbSNP rs745439844, ClinGen allele CA041298.
Genomic context (GRCh38, chr3:10,141,801, plus strand): 5'-GCGCGAAGACTACGGAGGTCGACTCGGGAGCGCGCACGCAGCTCCGCCCCGCGTCCGACC[C>T]GCGGATCCCGCGGCGTCCGGCCCGGGTGGTCTGGATCGCGGAGGGAATGCCCCGGAGGGC-3'